The following is an entry in ClinVar:

NM_001042492.3(NF1):c.6921G>T (p.Lys2307Asn)

Gene: NF1 (neurofibromin 1; plus strand). Cytogenetic location: 17q11.2.
Variant type: single nucleotide variant.
Coding change: c.6921G>T on transcript NM_001042492.3 (MANE Select); coding-DNA position 6921, G replaced by T.
Protein change: p.Lys2307Asn; replaces lysine 2307 with asparagine.
Molecular consequence: missense variant.
Genome position (GRCh38, 1-based): chr17:31,338,805, G>T. VCF-style: chr17-31338805-G-T. GRCh37 (hg19) VCF-style: chr17-29665823-G-T.
Other names: c.6858G>T, p.Lys2286Asn (NM_000267.4); short protein forms K2286N, K2307N.
Identifiers: ClinVar variation 389766 (VCV000389766.9), dbSNP rs1057523533, ClinGen allele CA16607563.

ClinVar aggregate classification (germline): Uncertain significance. Review status: criteria provided, multiple submitters, no conflicts (2 of 4 stars). 3 submissions from 3 submitters: Uncertain significance (3). Last evaluated 2025-07-20.

Conditions:
Neurofibromatosis, type 1 (NF1). Also called: NEUROFIBROMATOSIS, TYPE I, SOMATIC; Peripheral type neurofibromatosis; Neurofibromatosis, type I; VON RECKLINGHAUSEN DISEASE. Identifiers: Orphanet 636, MedGen C0027831, MONDO:0018975, OMIM 162200. Disease mechanism: loss of function.

Submissions (3):

Labcorp Genetics (formerly Invitae), Labcorp
Classification: Uncertain significance for Neurofibromatosis, type 1. Last evaluated: 2025-07-20. Review status: criteria provided, single submitter. Criteria: Invitae Variant Classification Sherloc (09022015). Collection method: clinical testing. Allele origin: germline.
Comment: This sequence change replaces lysine, which is basic and polar, with asparagine, which is neutral and polar, at codon 2286 of the NF1 protein (p.Lys2286Asn). This variant also falls at the last nucleotide of exon 45, which is part of the consensus splice site for this exon. This variant is not present in population databases (gnomAD no frequency). This variant has not been reported in the literature in individuals affected with NF1-related conditions. ClinVar contains an entry for this variant (Variation ID: 389766). An algorithm developed to predict the effect of missense changes on protein structure and function (PolyPhen-2) suggests that this variant is likely to be tolerated. Variants that disrupt the consensus splice site are a relatively common cause of aberrant splicing (PMID: 17576681, 9536098). Algorithms developed to predict the effect of sequence changes on RNA splicing suggest that this variant may disrupt the consensus splice site. This variant disrupts the c.6858G nucleotide in the NF1 gene. Other variant(s) that disrupt this nucleotide have been determined to be pathogenic (PMID: 27074763; internal data). This suggests that this nucleotide is clinically significant, and that variants that disrupt this position are likely to be disease-causing. In summary, the available evidence is currently insufficient to determine the role of this variant in disease. Therefore, it has been classified as a Variant of Uncertain Significance.

Genome-Nilou Lab
Classification: Uncertain significance for Neurofibromatosis, type 1. Last evaluated: 2022-03-15. Review status: criteria provided, single submitter. Criteria: ACMG Guidelines, 2015. Collection method: clinical testing. Allele origin: germline. Affected: no.

GeneDx
Classification: Uncertain significance. Last evaluated: 2016-09-26. Review status: criteria provided, single submitter. Criteria: GeneDx Variant Classification (06012015). Collection method: clinical testing. Allele origin: germline. Affected: yes.
Comment: The c.6858 G>T variant has not been published as a pathogenic variant, nor has it been reported as a benign variant to our knowledge. The c.6858 G>T variant was not observed in approximately 6,400 individuals of European and African American ancestry in the NHLBI Exome Sequencing Project, indicating it is not a common benign variant in these populations. Several in-silico splice prediction models predict that c.6858 G>T destroys or damages the natural splice donor site and leads to abnormal gene splicing. However, in the absence of RNA/functional studies, the actual effect of this sequence change in this individual is unknown. Therefore, based on the currently available information, it is unclear whether this variant is a pathogenic variant or a rare benign variant.

Literature cited by the submitters: PubMed 17576681 (cited by Labcorp Genetics (formerly Invitae), Labcorp); PubMed 9536098 (cited by Labcorp Genetics (formerly Invitae), Labcorp); PubMed 27074763 (cited by Labcorp Genetics (formerly Invitae), Labcorp).